The following is an entry in ClinVar:

NM_020975.6(RET):c.1796C>A (p.Pro599His)

Gene: RET (ret proto-oncogene; plus strand). Cytogenetic location: 10q11.21.
Variant type: single nucleotide variant.
Coding change: c.1796C>A on transcript NM_020975.6 (MANE Select); coding-DNA position 1796, C replaced by A.
Protein change: p.Pro599His; replaces proline 599 with histidine.
Molecular consequence: missense variant.
Genome position (GRCh38, 1-based): chr10:43,113,592, C>A. VCF-style: chr10-43113592-C-A. GRCh37 (hg19) VCF-style: chr10-43609040-C-A.
Other names: c.1796C>A, p.Pro599His (NM_000323.2, NM_001406743.1, NM_001406744.1 and 6 more transcripts); c.1034C>A, p.Pro345His (NM_001355216.2); c.1667C>A, p.Pro556His (NM_001406761.1, NM_001406762.1, NM_001406764.1 and 1 more transcripts); c.1508C>A, p.Pro503His (NM_001406766.1, NM_001406767.1, NM_001406770.1); c.1400C>A, p.Pro467His (NM_001406769.1, NM_001406772.1); c.1358C>A, p.Pro453His (NM_001406771.1, NM_001406773.1); c.1271C>A, p.Pro424His (NM_001406774.1); c.1070C>A, p.Pro357His (NM_001406775.1, NM_001406776.1, NM_001406777.1 and 1 more transcripts); and 5 more; short protein forms P345H, P599H, P257H, P300H, P357H, P467H, P116H, P204H.
Identifiers: ClinVar variation 961130 (VCV000961130.11), dbSNP rs1468422135, ClinGen allele CA376552628.

ClinVar aggregate classification (germline): Uncertain significance. Review status: criteria provided, multiple submitters, no conflicts (2 of 4 stars). 2 submissions from 2 submitters: Uncertain significance (2). Last evaluated 2025-03-03.

Conditions:
Hereditary cancer-predisposing syndrome. Also called: Tumor predisposition; Hereditary neoplastic syndrome; Neoplastic Syndromes, Hereditary; Hereditary Cancer Syndrome. Identifiers: Orphanet 140162, MedGen C0027672, MeSH D009386, MONDO:0015356.
Multiple endocrine neoplasia, type 2 (MEN2). Identifiers: Orphanet 653, MedGen C4048306, MONDO:0019003. Disease mechanism: gain of function.

Allele frequency attached by ClinVar (database versions not stated): TOPMed below 0.00001; gnomAD 0.00001.
gnomAD v4.1: 1 of 1,611,690 alleles (0.000062%); highest among the groups gnomAD compares: African/African-American, 0.0013%; no homozygotes.

Submissions (2):

Labcorp Genetics (formerly Invitae), Labcorp
Classification: Uncertain significance for Multiple endocrine neoplasia, type 2. Last evaluated: 2025-03-03. Review status: criteria provided, single submitter. Criteria: Invitae Variant Classification Sherloc (09022015). Collection method: clinical testing. Allele origin: germline.
Comment: This sequence change replaces proline, which is neutral and non-polar, with histidine, which is basic and polar, at codon 599 of the RET protein (p.Pro599His). This variant is present in population databases (no rsID available, gnomAD 0.01%). This variant has not been reported in the literature in individuals affected with RET-related conditions. ClinVar contains an entry for this variant (Variation ID: 961130). An algorithm developed to predict the effect of missense changes on protein structure and function (PolyPhen-2) suggests that this variant is likely to be tolerated. In summary, the available evidence is currently insufficient to determine the role of this variant in disease. Therefore, it has been classified as a Variant of Uncertain Significance.

Ambry Genetics
Classification: Uncertain significance for Hereditary cancer-predisposing syndrome. Last evaluated: 2023-09-23. Review status: criteria provided, single submitter. Criteria: Ambry Variant Classification Scheme 2023. Collection method: clinical testing. Allele origin: germline.
Comment: The p.P599H variant (also known as c.1796C>A), located in coding exon 10 of the RET gene, results from a C to A substitution at nucleotide position 1796. The proline at codon 599 is replaced by histidine, an amino acid with similar properties. This amino acid position is conserved. In addition, the in silico prediction for this alteration is inconclusive. Since supporting evidence is limited at this time, the clinical significance of this alteration remains unclear.